The following is an entry in ClinVar:

ClinVar aggregate classification (germline): Likely benign. Review status: criteria provided, multiple submitters, no conflicts (2 of 4 stars). 2 submissions from 2 submitters: Likely benign (2). Last evaluated 2026-09-09.

Conditions:
AHDC1-related disorder. Also called: AHDC1-related condition.

gnomAD v4.1: 19 of 1,609,010 alleles (0.0012%); highest among the groups gnomAD compares: East Asian, 0.04%; no homozygotes.

Submissions (2):

PreventionGenetics, part of Exact Sciences
Classification: Likely benign for AHDC1-related condition. Last evaluated: 2026-09-09. Review status: criteria provided, single submitter. Criteria: ACMG Guidelines, 2015. Collection method: clinical testing. Allele origin: germline.
Comment: This variant is classified as likely benign based on ACMG/AMP sequence variant interpretation guidelines (Richards et al. 2015 PMID: 25741868, with internal and published modifications).

Labcorp Genetics (formerly Invitae), Labcorp
Classification: Likely benign. Last evaluated: 2025-06-22. Review status: criteria provided, single submitter. Criteria: Invitae Variant Classification Sherloc (09022015). Collection method: clinical testing. Allele origin: germline.

NM_001371928.1(AHDC1):c.949C>T (p.Leu317=)

Gene: AHDC1 (AT-hook DNA binding motif containing 1; minus strand). Cytogenetic location: 1p36.11.
Variant type: single nucleotide variant.
Coding change: c.949C>T on transcript NM_001371928.1 (MANE Select); coding-DNA position 949, C replaced by T.
Protein change: p.Leu317=; no amino-acid change (leucine 317 retained).
Molecular consequence: synonymous variant.
Genome position (GRCh38, 1-based): chr1:27,551,167, G>A on the plus strand (C>T on the coding strand, the complement: AHDC1 is on the minus strand). VCF-style: chr1-27551167-G-A. GRCh37 (hg19) VCF-style: chr1-27877678-G-A.
Other names: c.949C>T, p.Leu317= (NM_001029882.3).
Identifiers: ClinVar variation 4690755 (VCV004690755.2).
Genomic context (GRCh38, chr1:27,551,167, plus strand): 5'-GGGGGTCGAGTGCCTGGGGGTCAAGCAGCTGCGACTCCAAGGAGTCAGGCAGGGTGTCCA[G>A]GGCCTGGAGAGCCAGGCCCGGCAGCCCCAGAGGATCAGCAAGAGGTTGCAGGGGTGGCAG-3'
Protein context (NP_001358857.1, residues 307-327): LGLPGLALQA[Leu317=]DTLPDSLESQ